The following is an entry in ClinVar:

NM_000288.4(PEX7):c.423T>A (p.Asp141Glu)

Gene: PEX7 (peroxisomal biogenesis factor 7; plus strand). Cytogenetic location: 6q23.3.
Variant type: single nucleotide variant.
Coding change: c.423T>A on transcript NM_000288.4 (MANE Select); coding-DNA position 423, T replaced by A.
Protein change: p.Asp141Glu; replaces aspartic acid 141 with glutamic acid.
Molecular consequence: missense variant.
Genome position (GRCh38, 1-based): chr6:136,846,078, T>A. VCF-style: chr6-136846078-T-A. GRCh37 (hg19) VCF-style: chr6-137167216-T-A.
Other names: c.309T>A, p.Asp103Glu (NM_001410945.1); short protein forms D103E, D141E.
Identifiers: ClinVar variation 2428166 (VCV002428166.3), dbSNP rs2548082637, ClinGen allele CA365857029.

ClinVar aggregate classification (germline): Uncertain significance (1 of 4 stars; one submission).

Conditions:
Peroxisome biogenesis disorder 9B. Also called: PEROXISOME BIOGENESIS DISORDER, PEX7-RELATED, ATYPICAL; PEX7-Related Refsum Disease; Refsum disease, adult, 2. Identifiers: Orphanet 773, MedGen C2749346, MONDO:0013945, OMIM 614879.

Allele frequency attached by ClinVar (database versions not stated): gnomAD exomes below 0.00001.
gnomAD v4.1: 3 of 1,603,226 alleles (0.00019%); highest among the groups gnomAD compares: Non-Finnish European, 0.00026%; no homozygotes.

Submission:

Labcorp Genetics (formerly Invitae), Labcorp
Classification: Uncertain significance for Peroxisome biogenesis disorder 9B. Last evaluated: 2022-09-13. Review status: criteria provided, single submitter. Criteria: Invitae Variant Classification Sherloc (09022015). Collection method: clinical testing. Allele origin: germline.
Comment: This sequence change replaces aspartic acid, which is acidic and polar, with glutamic acid, which is acidic and polar, at codon 141 of the PEX7 protein (p.Asp141Glu). This variant is not present in population databases (gnomAD no frequency). This variant has not been reported in the literature in individuals affected with PEX7-related conditions. Algorithms developed to predict the effect of missense changes on protein structure and function are either unavailable or do not agree on the potential impact of this missense change (SIFT: "Deleterious"; PolyPhen-2: "Probably Damaging"; Align-GVGD: "Class C0"). In summary, the available evidence is currently insufficient to determine the role of this variant in disease. Therefore, it has been classified as a Variant of Uncertain Significance.